The following is an entry in ClinVar:

ClinVar aggregate classification (germline): Uncertain significance (1 of 4 stars; one submission).

Submission:

GeneDx
Classification: Uncertain significance. Last evaluated: 2025-04-19. Review status: criteria provided, single submitter. Criteria: GeneDx Variant Classification Process June 2021. Collection method: clinical testing. Allele origin: germline. Affected: yes.
Comment: Not observed at significant frequency in large population cohorts (gnomAD); Nonsense variant predicted to result in protein truncation or nonsense mediated decay in a gene or region of a gene for which loss of function is not a well-established mechanism of disease; Has not been previously published as pathogenic or benign to our knowledge

NM_001231.5(CASQ1):c.785C>G (p.Ser262Ter)

Gene: CASQ1 (calsequestrin 1; plus strand). Cytogenetic location: 1q23.2.
Variant type: single nucleotide variant.
Coding change: c.785C>G on transcript NM_001231.5 (MANE Select); coding-DNA position 785, C replaced by G.
Protein change: p.Ser262Ter; replaces serine 262 with a stop codon.
Molecular consequence: nonsense.
Genome position (GRCh38, 1-based): chr1:160,197,571, C>G. VCF-style: chr1-160197571-C-G. GRCh37 (hg19) VCF-style: chr1-160167361-C-G.
Other names: short protein forms S262*.
Identifiers: ClinVar variation 4282045 (VCV004282045.1).